The following is an entry in ClinVar:

NM_004082.5(DCTN1):c.3799G>A (p.Glu1267Lys)

Gene: DCTN1 (dynactin subunit 1; minus strand). Cytogenetic location: 2p13.1.
Variant type: single nucleotide variant.
Coding change: c.3799G>A on transcript NM_004082.5 (MANE Select); coding-DNA position 3799, G replaced by A.
Protein change: p.Glu1267Lys; replaces glutamic acid 1267 with lysine.
Molecular consequence: missense variant. On other transcripts: non-coding transcript variant (1).
Genome position (GRCh38, 1-based): chr2:74,361,537, C>T on the plus strand (G>A on the coding strand, the complement: DCTN1 is on the minus strand). VCF-style: chr2-74361537-C-T. GRCh37 (hg19) VCF-style: chr2-74588664-C-T.
Other names: c.3724G>A, p.Glu1242Lys (NM_001135040.3); c.3382G>A, p.Glu1128Lys (NM_001135041.3); c.3673G>A, p.Glu1225Lys (NM_001190836.2); c.3778G>A, p.Glu1260Lys (NM_001190837.2); c.3748G>A, p.Glu1250Lys (NM_001378991.1); c.3730G>A, p.Glu1244Lys (NM_001378992.1); c.3397G>A, p.Glu1133Lys (NM_023019.4); short protein forms E1225K, E1133K, E1267K, E1242K, E1260K, E1128K, E1244K, E1250K.
Identifiers: ClinVar variation 569319 (VCV000569319.40), dbSNP rs146083590, ClinGen allele CA1721344.
Genomic context (GRCh38, chr2:74,361,537, plus strand): 5'-GGACAGCAGGGGAAAGGAGTGCTTAGGAGATGAGGCGACTGTGAAGCTGGTGCAGCTGCT[C>T]CTGGGTCAGCACCAGCCGGTGTCGCTGTCCAAAACCAGCCGCACATGAGAAGGTCACTTT-3'
Protein context (NP_004073.2, residues 1257-1277): GQRHRLVLTQ[Glu1267Lys]QLHQLHSRLI

ClinVar aggregate classification (germline): Benign/Likely benign. Review status: criteria provided, multiple submitters, no conflicts (2 of 4 stars). 4 submissions from 4 submitters: Benign (1); Likely benign (3). Last evaluated 2025-08-19.

Conditions:
DCTN1-related disorder. Also called: DCTN1-related condition.
Amyotrophic lateral sclerosis type 1 (ALS1). Also called: AMYOTROPHIC LATERAL SCLEROSIS 1, FAMILIAL. Identifiers: Orphanet 803, MedGen C1862939, MONDO:0007103, OMIM 105400.
Perry syndrome. Also called: PARKINSONISM WITH ALVEOLAR HYPOVENTILATION AND MENTAL DEPRESSION. Identifiers: Orphanet 178509, MedGen C1868594, MONDO:0008201, OMIM 168605.
Neuronopathy, distal hereditary motor, type 7B. Also called: Distal Hereditary Motor Neuronopathy Type 7B (dHMN7B); HMN VIIB; LOWER MOTOR NEURON DISEASE, DYNACTIN TYPE; NEURONOPATHY, DISTAL HEREDITARY MOTOR, AUTOSOMAL DOMINANT 14; NEURONOPATHY, DISTAL HEREDITARY MOTOR, HARDING TYPE VIIB; NEUROPATHY, DISTAL HEREDITARY MOTOR, HARDING TYPE VIIB. Identifiers: Orphanet 139589, MedGen C1843315, MONDO:0011879, OMIM 607641.

Allele frequency attached by ClinVar (database versions not stated): TOPMed 0.00022; 1000 Genomes Project 0.00060; 1000 Genomes Project 30x 0.00062.

Submissions (4):

PreventionGenetics, part of Exact Sciences
Classification: Likely benign for DCTN1-related condition. Last evaluated: 2025-08-19. Review status: criteria provided, single submitter. Criteria: ACMG Guidelines, 2015. Collection method: clinical testing. Allele origin: germline.
Comment: This variant is classified as likely benign based on ACMG/AMP sequence variant interpretation guidelines (Richards et al. 2015 PMID: 25741868, with internal and published modifications).

Labcorp Genetics (formerly Invitae), Labcorp
Classification: Likely benign for Amyotrophic lateral sclerosis type 1; Neuronopathy, distal hereditary motor, type 7B; Perry syndrome. Last evaluated: 2024-11-28. Review status: criteria provided, single submitter. Criteria: Invitae Variant Classification Sherloc (09022015). Collection method: clinical testing. Allele origin: germline.

CeGaT Center for Human Genetics Tuebingen
Classification: Likely benign. Last evaluated: 2023-10-01. Review status: criteria provided, single submitter. Criteria: CeGaT Center For Human Genetics Tuebingen Variant Classification Criteria Version 2. Collection method: clinical testing. Allele origin: germline. Affected: yes. Observed: 1 variant allele.
Comment: DCTN1: BP4, BS1

GeneDx
Classification: Benign. Last evaluated: 2020-06-15. Review status: criteria provided, single submitter. Criteria: GeneDx Variant Classification Process June 2021. Collection method: clinical testing. Allele origin: germline. Affected: yes.
Comment: This variant is associated with the following publications: (PMID: 29411640)